The following is an entry in ClinVar:

ClinVar aggregate classification (germline): Likely benign (1 of 4 stars; one submission).

gnomAD v4.1: 1 of 1,614,132 alleles (0.000062%); highest among the groups gnomAD compares: South Asian, 0.0011%; no homozygotes.

Submission:

CeGaT Center for Human Genetics Tuebingen
Classification: Likely benign. Last evaluated: 2022-04-01. Review status: criteria provided, single submitter. Criteria: CeGaT Center For Human Genetics Tuebingen Variant Classification Criteria Version 2. Collection method: clinical testing. Allele origin: germline. Affected: yes. Observed: 1 variant allele.
Comment: ANKFY1: BP4, BP7

NM_001330063.2(ANKFY1):c.2559C>G (p.Ala853=)

Genes: ANKFY1 (ankyrin repeat and FYVE domain containing 1; minus strand), LOC126862466 (MED14-independent group 3 enhancer GRCh37_chr17:4081807-4083006; plus strand). Cytogenetic location: 17p13.2.
Variant type: single nucleotide variant.
Coding change: c.2559C>G on transcript NM_001330063.2 (MANE Select); coding-DNA position 2559, C replaced by G.
Protein change: p.Ala853=; no amino-acid change (alanine 853 retained).
Molecular consequence: synonymous variant. On other transcripts: non-coding transcript variant (1).
Genome position (GRCh38, 1-based): chr17:4,178,896, G>C on the plus strand (C>G on the coding strand, the complement: ANKFY1 is on the minus strand). VCF-style: chr17-4178896-G-C. GRCh37 (hg19) VCF-style: chr17-4082191-G-C.
Other names: c.2685C>G, p.Ala895= (NM_001257999.3); c.2562C>G, p.Ala854= (NM_016376.5).
Identifiers: ClinVar variation 2647252 (VCV002647252.24), dbSNP rs139994258, ClinGen allele CA497497662.